The following is an entry in ClinVar:

NM_004064.5(CDKN1B):c.385dup (p.His129fs)

Gene: CDKN1B (cyclin dependent kinase inhibitor 1B; plus strand). Cytogenetic location: 12p13.1.
Variant type: Duplication.
Coding change: c.385dup on transcript NM_004064.5 (MANE Select); coding-DNA position 385, one base duplicated (C; older notation c.385dupC).
Protein change: p.His129fs; shifts the reading frame from histidine 129.
Molecular consequence: frameshift variant.
Genome position (GRCh38, 1-based): chr12:12,718,224, C duplicated. VCF-style (leftmost placement, unchanged base first): chr12-12718223-G-GC. GRCh37 (hg19) VCF-style: chr12-12871157-G-GC.
Other names: short protein forms H129fs.
Identifiers: ClinVar variation 1072624 (VCV001072624.7), dbSNP rs2136356368, ClinGen allele CA2499221487.

ClinVar aggregate classification (germline): Pathogenic (1 of 4 stars; one submission).

Conditions:
Multiple endocrine neoplasia type 4. Also called: MULTIPLE ENDOCRINE NEOPLASIA, TYPE IV. Identifiers: Orphanet 276152, MedGen C1970712, MONDO:0012552, OMIM 610755.

Submission:

Labcorp Genetics (formerly Invitae), Labcorp
Classification: Pathogenic for Multiple endocrine neoplasia type 4. Last evaluated: 2020-02-27. Review status: criteria provided, single submitter. Criteria: Invitae Variant Classification Sherloc (09022015). Collection method: clinical testing. Allele origin: germline.
Comment: Loss-of-function variants in CDKN1B are known to be pathogenic (PMID: 17030811, 24819502). This variant has not been reported in the literature in individuals with CDKN1B-related conditions. This variant is not present in population databases (ExAC no frequency). This sequence change creates a premature translational stop signal (p.His129Profs*8) in the CDKN1B gene. It is expected to result in an absent or disrupted protein product. For these reasons, this variant has been classified as Pathogenic.

Literature cited by the submitters: PubMed 17030811; PubMed 24819502.